The following is an entry in ClinVar:

NM_000444.6(PHEX):c.350-1G>C

Gene: PHEX (phosphate regulating endopeptidase X-linked; plus strand). Cytogenetic location: Xp22.11.
Variant type: single nucleotide variant.
Coding change: c.350-1G>C on transcript NM_000444.6 (MANE Select); the canonical splice acceptor site of the intron before coding-DNA position 350, G replaced by C.
Molecular consequence: splice acceptor variant.
Genome position (GRCh38, 1-based): chrX:22,076,387, G>C. VCF-style: chrX-22076387-G-C. GRCh37 (hg19) VCF-style: chrX-22094505-G-C.
Other names: c.350-1G>C (NM_001282754.2).
Identifiers: ClinVar variation 1397192 (VCV001397192.1), dbSNP rs2147019098, ClinGen allele CA412571017.

ClinVar aggregate classification (germline): Pathogenic (1 of 4 stars; one submission).

Submission:

Labcorp Genetics (formerly Invitae), Labcorp
Classification: Pathogenic. Last evaluated: 2021-08-02. Review status: criteria provided, single submitter. Criteria: Invitae Variant Classification Sherloc (09022015). Collection method: clinical testing. Allele origin: germline.
Comment: This sequence change affects an acceptor splice site in intron 3 of the PHEX gene. It is expected to disrupt RNA splicing. Variants that disrupt the donor or acceptor splice site typically lead to a loss of protein function (PMID: 16199547), and loss-of-function variants in PHEX are known to be pathogenic (PMID: 9097956, 9106524, 19219621). This variant is not present in population databases (ExAC no frequency). Disruption of this splice site has been observed in individual(s) with X-linked hypophosphatemia (PMID: 19219621, 22577109). Algorithms developed to predict the effect of sequence changes on RNA splicing suggest that this variant may disrupt the consensus splice site. For these reasons, this variant has been classified as Pathogenic.

Literature cited by the submitters: PubMed 16199547; PubMed 9097956; PubMed 9106524; PubMed 19219621; PubMed 22577109.